The following is an entry in ClinVar:

ClinVar aggregate classification (germline): Conflicting classifications of pathogenicity. Review status: criteria provided, conflicting classifications (1 of 4 stars). 23 submissions from 22 submitters: Pathogenic (2); Uncertain significance (12); Likely benign (6). 3 of the submissions do not count toward it. Last evaluated 2026-06-16.

Conditions:
KCNH2-related disorder. Also called: KCNH2-related condition; KCNH2-related disorders.
Cardiovascular phenotype. Identifiers: MedGen CN230736.
Cardiac arrhythmia. Also called: Cardiac rhythm disease; Arrhythmia. Identifiers: MedGen C0003811, MONDO:0007263, HP:0011675.
Short QT syndrome type 1. Identifiers: Orphanet 51083, MedGen C1865020, MONDO:0012312, OMIM 609620.
Long QT syndrome 2 (LQT2). Identifiers: Orphanet 101016, Orphanet 768, MedGen C3150943, MONDO:0013367, OMIM 613688.
Long QT syndrome (LQTS). Identifiers: MedGen C0023976, MeSH D008133, MONDO:0002442. Disease mechanism: loss of function. Inheritance: Various modes of inheritance.
Prolonged QT interval. Identifiers: MedGen C0151878, HP:0001657.

Allele frequency attached by ClinVar (database versions not stated): ExAC below 0.00001; 1000 Genomes Project 30x 0.00016; TOPMed 0.00025; gnomAD exomes 0.00032 and 0.00033; gnomAD 0.00061.
gnomAD v4.1: 479 of 1,466,372 alleles (0.033%); highest among the groups gnomAD compares: Non-Finnish European, 0.038%; 1 homozygote.

Submissions 1 to 9 of 23:

PreventionGenetics, part of Exact Sciences
Classification: Likely benign for KCNH2-related condition. Last evaluated: 2026-06-16. Review status: criteria provided, single submitter. Criteria: ACMG Guidelines, 2015. Collection method: clinical testing. Allele origin: germline.
Comment: This variant is classified as likely benign based on ACMG/AMP sequence variant interpretation guidelines (Richards et al. 2015 PMID: 25741868, with internal and published modifications).

Petrovsky National Research Centre of Surgery, The Federal Agency for Scientific Organizations
Classification: Pathogenic for Long QT syndrome. Last evaluated: 2026-04-10. Review status: criteria provided, single submitter. Criteria: ACMG Guidelines, 2015. Collection method: clinical testing. Allele origin: germline. Affected: yes. Observed: 1 variant allele.
Comment: The variant is in The Genome Aggregation Database (gnomAD) v4.1.0 with total 0,0003267. (Date of access 2026-04-10).

Labcorp Genetics (formerly Invitae), Labcorp
Classification: Likely benign for Long QT syndrome. Last evaluated: 2026-01-26. Review status: criteria provided, single submitter. Criteria: Invitae Variant Classification Sherloc (09022015). Collection method: clinical testing. Allele origin: germline.

Clinical Genetics Laboratory, Skane University Hospital Lund
Classification: Uncertain significance. Last evaluated: 2025-12-29. Review status: criteria provided, single submitter. Criteria: ACMG Guidelines, 2015. Collection method: clinical testing. Allele origin: germline. Affected: yes.
Comment: ACMG criteria applied: PP3, BS1.

Petrovsky National Research Centre of Surgery, The Federal Agency for Scientific Organizations
Classification: Pathogenic for Cardiac arrhythmia. Last evaluated: 2025-11-18. Review status: criteria provided, single submitter. Criteria: ACMG Guidelines, 2015. Collection method: clinical testing. Allele origin: germline. Affected: yes.
Comment: The variant has a population frequency of 0.0004061 in gnomAD v2.1.1. In accordance with ACMG (2015) criteria, this variant is classified as Pathogenic (Class V, low-penetrant) with the follo_x000D_

Women's Health and Genetics/Laboratory Corporation of America, LabCorp
Classification: Likely benign. Last evaluated: 2025-11-18. Review status: criteria provided, single submitter. Criteria: LabCorp Variant Classification Summary - May 2015. Collection method: clinical testing. Allele origin: germline.
Comment: Variant summary: KCNH2 c.526C>T (p.Arg176Trp) results in a non-conservative amino acid change in the encoded protein sequence. Algorithms developed to predict the effect of missense changes on protein structure and function are either unavailable or do not agree on the potential impact of this missense change. The variant allele was found at a frequency of 0.00035 in 80198 control chromosomes. The observed variant frequency exceeds the estimated maximal expected allele frequency for disease-causing variants in KCNH2. c.526C>T has been reported in the literature in individuals undergoing limited gene to multigene panel testing for Long QT Syndrome/Arrhythmia and continues to be reported as a VUS/risk variant that is enriched in patients referred for diagnostic LQTS gene testing but lacking a molecular diagnosis (panel-negative) (example, Kapa_2009, Koponen_2015, Laitinen_2000, Mank-Seymour_2006, Marjamaa_2009, Swan_1999, van Lint_2019, Vatta_2021, Kozek_2021). These reports do not provide unequivocal conclusions about association of the variant with Long QT Syndrome. Co-occurrences with other pathogenic variant(s) have been reported (KCNQ1 c.1766G>A, p.Gly589Asp; KCNQ1 IVS7-2A>G), providing supporting evidence for a benign role (example, Koponen_2015, Fodstad_2006). However, the possibility of this variant exerting an additional in vivo phenotypic effect when present simultaneously with an apparent LQTS-causing mutation has also been proposed (Fodstad_2006). At least one publication reports experimental evidence evaluating an impact on protein function. These results showed no damaging effect of this variant as indicated by normal repolarization in the kcnh2-knockdown embryonic zebrafish (example, Jou_2013). The following publications have been ascertained in the context of this evaluation (PMID: 14661677, 16754261, 23303164, 19841300, 26063740, 34309407, 10862094, 17161064, 19160088, 10483966, 33517668, 30847666). ClinVar contains an entry for this variant (Variation ID: 67509). Based on the evidence outlined above, the variant was classified as likely benign.

Ambry Genetics
Classification: Uncertain significance for Cardiovascular phenotype. Last evaluated: 2025-08-25. Review status: criteria provided, single submitter. Criteria: Ambry Variant Classification Scheme 2023. Collection method: clinical testing. Allele origin: germline.
Comment: The p.R176W variant (also known as c.526C>T), located in coding exon 4 of the KCNH2 gene, results from a C to T substitution at nucleotide position 526. The arginine at codon 176 is replaced by tryptophan, an amino acid with dissimilar properties. This variant was reported in individuals with features consistent with long QT syndrome (LQTS), and has been reported as a possible Finnish founder mutation (Swan H, J. Amer. Coll. Cardiol. 1999;34(3):823-9; Laitinen P, Hum. Mutat. 2000; 15(6):580-1; Fodstad H, Ann. Med. 2004;36 Suppl 1:53-63; Marjamaa A, Ann. Med. 2009;41(3):234-40; Donner BC, Cardiol Young. 2012; 22(3):360-3). Several studies indicate that carriers of this variant have moderately prolonged QT intervals on average (Fodstad H, Ann. Med. 2006; 38(4):294-304; Marjamaa A et al. Ann. Med., 2009;41:234-40; Koponen M et al. BMC Med Genet, 2018 04;19:56). However, this alteration has also been identified in apparently healthy individuals (Ackerman MJ et al. Mayo Clin. Proc. 2003;78:1479-87; Fodstad H, Ann. Med. 2006; 38(4):294-304; Maltese PE et al. Int Heart J. 2017;58(1):81-87). Two functional studies suggest this alteration has an impact on protein function (Fodstad H, Ann. Med. 2006 ; 38(4):294-304; Lahti AL, Dis Model Mech 2012 Mar; 5(2):220-30). Other studies do not detect a significant impact on protein function (M&auml;nnikk&ouml; R et al. Br J Pharmacol, 2010 Jan;159:102-14; Jou CJ et al. Circ. Res. 2013;112:826-30; Soh MS et al. Ann Clin Transl Neurol, 2021 07;8:1422-1432). This amino acid position is well conserved in available vertebrate species. In addition, this alteration is predicted to be deleterious by in silico analysis. Since supporting evidence is limited and conflicting at this time, the clinical significance of this alteration remains unclear.

CeGaT Center for Human Genetics Tuebingen
Classification: Uncertain significance. Last evaluated: 2025-03-01. Review status: criteria provided, single submitter. Criteria: CeGaT Center For Human Genetics Tuebingen Variant Classification Criteria Version 2. Collection method: clinical testing. Allele origin: germline. Affected: yes. Observed: 8 variant alleles.
Comment: KCNH2: PP2, PP3

Laboratory of Genetics, Children's Clinical University Hospital Latvia
Classification: Likely benign. Last evaluated: 2025-02-16. Review status: criteria provided, single submitter. Criteria: ACMG Guidelines, 2015. Collection method: clinical testing. Allele origin: germline. Affected: yes.

NM_000238.4(KCNH2):c.526C>T (p.Arg176Trp)

Gene: KCNH2 (potassium voltage-gated channel subfamily H member 2; minus strand). Cytogenetic location: 7q36.1.
Variant type: single nucleotide variant.
Coding change: c.526C>T on transcript NM_000238.4 (MANE Select); coding-DNA position 526, C replaced by T.
Protein change: p.Arg176Trp; replaces arginine 176 with tryptophan.
Molecular consequence: missense variant.
Genome position (GRCh38, 1-based): chr7:150,958,449, G>A on the plus strand (C>T on the coding strand, the complement: KCNH2 is on the minus strand). VCF-style: chr7-150958449-G-A. GRCh37 (hg19) VCF-style: chr7-150655537-G-A.
Other names: p.R176W:CGG>TGG; c.526C>T (LRG_288t1); c.238C>T, p.Arg80Trp (NM_001406753.1, NM_001406756.1); c.349C>T, p.Arg117Trp (NM_001406755.1); c.226C>T, p.Arg76Trp (NM_001406757.1); c.526C>T, p.Arg176Trp (NM_172056.3); short protein forms R176W, R117W, R76W, R80W.
Identifiers: ClinVar variation 67509 (VCV000067509.92), dbSNP rs36210422, ClinGen allele CA008553.